The following is an entry in ClinVar:

ClinVar aggregate classification (germline): Benign/Likely benign. Review status: criteria provided, multiple submitters, no conflicts (2 of 4 stars). 4 submissions from 4 submitters: Benign (2); Likely benign (1). 1 of the submissions does not count toward it. Last evaluated 2026-01-24.

Conditions:
POLE2-related disorder. Also called: POLE2-related condition.

Allele frequency attached by ClinVar (database versions not stated): gnomAD exomes 0.00030 and 0.00065; ESP Exome Variant Server 0.00123; ExAC 0.00241; 1000 Genomes Project 0.00339; 1000 Genomes Project 30x 0.00344; gnomAD 0.00359 and 0.00388.
gnomAD v4.1: 986 of 1,550,238 alleles (0.064%); highest among the groups gnomAD compares: African/African-American, 1.2%; 5 homozygotes.

Submissions (4):

Labcorp Genetics (formerly Invitae), Labcorp
Classification: Benign. Last evaluated: 2026-01-24. Review status: criteria provided, single submitter. Criteria: Invitae Variant Classification Sherloc (09022015). Collection method: clinical testing. Allele origin: germline.

Blueprint Genetics
Classification: Likely benign. Last evaluated: 2024-07-15. Review status: criteria provided, single submitter. Criteria: ACMG Guidelines, 2015. Collection method: clinical testing. Allele origin: germline.

CeGaT Center for Human Genetics Tuebingen
Classification: Benign. Last evaluated: 2024-02-01. Review status: criteria provided, single submitter. Criteria: CeGaT Center For Human Genetics Tuebingen Variant Classification Criteria Version 2. Collection method: clinical testing. Allele origin: germline. Affected: yes. Observed: 1 variant allele.
Comment: POLE2: BS1, BS2

PreventionGenetics, part of Exact Sciences
Classification: Benign for POLE2-related condition. Last evaluated: 2019-03-22. Review status: no assertion criteria provided. Collection method: clinical testing. Allele origin: germline. Not counted in ClinVar's aggregate classification.
Comment: This variant is classified as benign based on ACMG/AMP sequence variant interpretation guidelines (Richards et al. 2015 PMID: 25741868, with internal and published modifications).

NM_002692.4(POLE2):c.35C>T (p.Ser12Phe)

Gene: POLE2 (DNA polymerase epsilon 2, accessory subunit; minus strand). Cytogenetic location: 14q21.3.
Variant type: single nucleotide variant.
Coding change: c.35C>T on transcript NM_002692.4 (MANE Select); coding-DNA position 35, C replaced by T.
Protein change: p.Ser12Phe; replaces serine 12 with phenylalanine.
Molecular consequence: missense variant. On other transcripts: 5 prime UTR variant (1).
Genome position (GRCh38, 1-based): chr14:49,688,169, G>A on the plus strand (C>T on the coding strand, the complement: POLE2 is on the minus strand). VCF-style: chr14-49688169-G-A. GRCh37 (hg19) VCF-style: chr14-50154887-G-A.
Other names: c.35C>T (NM_002692.3); c.35C>T, p.Ser12Phe (NM_001197330.2, NM_001197331.3, NM_001348384.2); c.-201C>T (NM_001348385.2); short protein forms S12F.
Identifiers: ClinVar variation 1167412 (VCV001167412.33), dbSNP rs199837996, ClinGen allele CA7173767.
Genomic context (GRCh38, chr14:49,688,169, plus strand): 5'-CCCTTCAAGCTGCCCGAGCCCACTCACCCACGGAGCAGCAAGCCCCGCAACTTGAAGGCG[G>A]AGAGCGCCCGGCTCCGCAGCCGCTCCGGCGCCATATTTGCGATTTGGCGCCACCGCCGCA-3'
Protein context (NP_002683.2, residues 2-22): APERLRSRAL[Ser12Phe]AFKLRGLLLR